The following is an entry in ClinVar:

ClinVar aggregate classification (germline): Benign. Review status: criteria provided, single submitter (1 of 4 stars). 2 submissions from 1 submitter: Benign (2). Last evaluated 2018-01-13.

Conditions:
Charcot-Marie-Tooth disease type 4C (CMT4C). Also called: CHARCOT-MARIE-TOOTH DISEASE, DEMYELINATING, AUTOSOMAL RECESSIVE, TYPE 4C; CMT 4C; Charcot-Marie-Tooth Neuropathy Type 4C (CMT4C); CHARCOT-MARIE-TOOTH DISEASE, DEMYELINATING, TYPE 4C; SH3TC2-Related Hereditary Motor and Sensory Neuropathy. Identifiers: Orphanet 99949, MedGen C1866636, MONDO:0011113, OMIM 601596.
Susceptibility to mononeuropathy of the median nerve, mild. Also called: CARPAL TUNNEL SYNDROME, SUSCEPTIBILITY TO. Identifiers: MedGen C3150596, MONDO:0013237, OMIM 613353.

Allele frequency attached by ClinVar (database versions not stated): 1000 Genomes Project 0.00419; gnomAD 0.00464 and 0.00493; TOPMed 0.00464; 1000 Genomes Project 30x 0.00500.
gnomAD v4.1: 676 of 147,142 alleles (0.46%); highest among the groups gnomAD compares: African/African-American, 1.6%; 9 homozygotes.

Submissions (2):

Illumina Laboratory Services, Illumina
Classification: Benign for Susceptibility to mononeuropathy of the median nerve, mild. Last evaluated: 2018-01-13. Review status: criteria provided, single submitter. Criteria: ICSL Variant Classification Criteria 13 December 2019. Collection method: clinical testing. Allele origin: germline.
Comment: This variant was observed in the ICSL laboratory as part of a predisposition screen in an ostensibly healthy population. It had not been previously curated by ICSL or reported in the Human Gene Mutation Database (HGMD: prior to June 1st, 2018), and was therefore a candidate for classification through an automated scoring system. Utilizing variant allele frequency, disease prevalence and penetrance estimates, and inheritance mode, an automated score was calculated to assess if this variant is too frequent to cause the disease. Based on the score and internal cut-off values, a variant classified as benign is not then subjected to further curation. The score for this variant resulted in a classification of benign for this disease.

Illumina Laboratory Services, Illumina
Classification: Benign for Charcot-Marie-Tooth disease type 4C. Last evaluated: 2018-01-13. Review status: criteria provided, single submitter. Criteria: ICSL Variant Classification Criteria 13 December 2019. Collection method: clinical testing. Allele origin: germline.
Comment: the same text as in the submission from Illumina Laboratory Services, Illumina above.

NM_024577.4(SH3TC2):c.*10120C>A

Gene: SH3TC2 (SH3 domain and tetratricopeptide repeats 2; minus strand). Cytogenetic location: 5q32.
Variant type: single nucleotide variant.
Coding change: c.*10120C>A on transcript NM_024577.4 (MANE Select); 10120 bases downstream of the stop codon, C replaced by A.
Molecular consequence: 3 prime UTR variant.
Genome position (GRCh38, 1-based): chr5:148,994,591, G>T on the plus strand (C>A on the coding strand, the complement: SH3TC2 is on the minus strand). VCF-style: chr5-148994591-G-T. GRCh37 (hg19) VCF-style: chr5-148374154-G-T.
Identifiers: ClinVar variation 351713 (VCV000351713.5), dbSNP rs13355933, ClinGen allele CA10620652.
Genomic context (GRCh38, chr5:148,994,591, plus strand): 5'-ATGAGAGGTGTTGAATATTGGTTAGTTGGTTGTTTCATTGGTTGGGTATGTGGGTGGTTG[G>T]GTGGTTAGATGGTTGGTTGGTTGGTTGGTTGGTTGGTTGGTTGGTTGGTTGGTTGGTTGG-3'